The following is an entry in ClinVar:

ClinVar aggregate classification (germline): Conflicting classifications of pathogenicity. Review status: criteria provided, conflicting classifications (1 of 4 stars). 3 submissions from 3 submitters: Uncertain significance (2); Likely benign (1). Last evaluated 2026-01-09.

Conditions:
Hereditary cancer-predisposing syndrome. Also called: Neoplastic Syndromes, Hereditary; Tumor predisposition; Hereditary Cancer Syndrome; Hereditary neoplastic syndrome. Identifiers: Orphanet 140162, MedGen C0027672, MeSH D009386, MONDO:0015356.
Tuberous sclerosis 1 (TSC1). Identifiers: Orphanet 805, MedGen C1854465, MONDO:0008612, OMIM 191100.

Allele frequency attached by ClinVar (database versions not stated): gnomAD exomes below 0.00001 and 0.00002; TOPMed below 0.00001; ExAC 0.00002.
gnomAD v4.1: 6 of 1,614,122 alleles (0.00037%); highest among the groups gnomAD compares: East Asian, 0.0022%; no homozygotes.

Submissions (3):

Labcorp Genetics (formerly Invitae), Labcorp
Classification: Likely benign for Tuberous sclerosis 1. Last evaluated: 2026-01-09. Review status: criteria provided, single submitter. Criteria: Invitae Variant Classification Sherloc (09022015). Collection method: clinical testing. Allele origin: germline.

Ambry Genetics
Classification: Uncertain significance for Hereditary cancer-predisposing syndrome. Last evaluated: 2023-12-26. Review status: criteria provided, single submitter. Criteria: Ambry Variant Classification Scheme 2023. Collection method: clinical testing. Allele origin: germline.
Comment: The p.R190H variant (also known as c.569G>A), located in coding exon 5 of the TSC1 gene, results from a G to A substitution at nucleotide position 569. The arginine at codon 190 is replaced by histidine, an amino acid with highly similar properties. This amino acid position is highly conserved in available vertebrate species. In addition, this alteration is predicted to be deleterious by in silico analysis. Since supporting evidence is limited at this time, the clinical significance of this alteration remains unclear.

Genome-Nilou Lab
Classification: Uncertain significance for Tuberous sclerosis 1. Last evaluated: 2021-11-07. Review status: criteria provided, single submitter. Criteria: ACMG Guidelines, 2015. Collection method: clinical testing. Allele origin: germline. Affected: no.

Literature cited by the submitters: PubMed 22161988 (cited by Ambry Genetics).

NM_000368.5(TSC1):c.569G>A (p.Arg190His)

Gene: TSC1 (TSC complex subunit 1; minus strand). Cytogenetic location: 9q34.13.
Variant type: single nucleotide variant.
Coding change: c.569G>A on transcript NM_000368.5 (MANE Select); coding-DNA position 569, G replaced by A.
Protein change: p.Arg190His; replaces arginine 190 with histidine.
Molecular consequence: missense variant.
Genome position (GRCh38, 1-based): chr9:132,921,913, C>T on the plus strand (G>A on the coding strand, the complement: TSC1 is on the minus strand). VCF-style: chr9-132921913-C-T. GRCh37 (hg19) VCF-style: chr9-135797300-C-T.
Other names: c.569G>A, p.Arg190His (NM_001162426.2); c.416G>A, p.Arg139His (NM_001162427.2); c.206G>A, p.Arg69His (NM_001362177.2); short protein forms R190H, R139H, R69H.
Identifiers: ClinVar variation 565653 (VCV000565653.17), dbSNP rs118203402, ClinGen allele CA038150.